The following is an entry in ClinVar:

NM_001177693.2(ARHGEF28):c.957_963+16delinsCG

Gene: ARHGEF28 (Rho guanine nucleotide exchange factor 28; plus strand). Cytogenetic location: 5q13.2.
Variant type: Indel.
Coding change: c.957_963+16delinsCG on transcript NM_001177693.2 (MANE Select); coding-DNA position 957 through 16 bases into the intron after coding-DNA position 963, TATAAAGGTAATGAATGACTCCC replaced by CG.
Molecular consequence: splice donor variant.
Genome position (GRCh38, 1-based): chr5:73,794,448-73,794,470, TATAAAGGTAATGAATGACTCCC replaced by CG. VCF-style: chr5-73794448-TATAAAGGTAATGAATGACTCCC-CG. GRCh37 (hg19) VCF-style: chr5-73090273-TATAAAGGTAATGAATGACTCCC-CG.
Other names: c.957_963+16delinsCG (NM_001080479.3, NM_001388078.1); c.663_669+16delinsCG (NM_001388076.1).
Identifiers: ClinVar variation 3353189 (VCV003353189.1).

ClinVar aggregate classification (germline): Uncertain significance (0 of 4 stars; one submission).

Conditions:
ARHGEF28-related disorder. Also called: ARHGEF28-related condition.

Submission:

PreventionGenetics, part of Exact Sciences
Classification: Uncertain significance for ARHGEF28-related condition. Last evaluated: 2024-06-27. Review status: no assertion criteria provided. Collection method: clinical testing. Allele origin: germline.
Comment: The ARHGEF28 c.957_963+16delinsCG variant is predicted to result in an in-frame deletion and insertion. This variant is predicted to disrupt splicing at the donor splice site; however, this is based on computational modeling and has not been functionally validated (SpliceAI, Jaganathan et al. 2019. PubMed ID: 30661751). To our knowledge, this variant has not been reported in the literature. This variant is reported in 0.020% of alleles in individuals of Ashkenazi Jewish descent in gnomAD. At this time, the clinical significance of this variant is uncertain due to the absence of conclusive functional and genetic evidence.